The following is an entry in ClinVar:

NM_078480.3(PUF60):c.348+4A>C

Gene: PUF60 (poly(U) binding splicing factor 60; minus strand). Cytogenetic location: 8q24.3.
Variant type: single nucleotide variant.
Coding change: c.348+4A>C on transcript NM_078480.3 (MANE Select); 4 bases into the intron after coding-DNA position 348, A replaced by C.
Molecular consequence: intron variant.
Genome position (GRCh38, 1-based): chr8:143,820,662, T>G on the plus strand (A>C on the coding strand, the complement: PUF60 is on the minus strand). VCF-style: chr8-143820662-T-G. GRCh37 (hg19) VCF-style: chr8-144902832-T-G.
Other names: c.210+935A>C (NM_001271097.2); c.261+4A>C (NM_001271099.2); c.294+935A>C (NM_001271096.2); c.345+4A>C (NM_001271098.2); c.297+935A>C (NM_014281.5); c.168+935A>C (NM_001271100.2); c.219+4A>C (NM_001136033.3); c.408+935A>C (NM_001362897.2); and 1 more.
Identifiers: ClinVar variation 1315065 (VCV001315065.2), dbSNP rs2130308734, ClinGen allele CA2573052981.

ClinVar aggregate classification (germline): Uncertain significance (1 of 4 stars; one submission).

Submission:

GeneDx
Classification: Uncertain significance. Last evaluated: 2020-02-04. Review status: criteria provided, single submitter. Criteria: GeneDx Variant Classification Process June 2021. Collection method: clinical testing. Allele origin: germline. Affected: yes.
Comment: Not observed in large population cohorts (Lek et al., 2016); Has not been previously published as pathogenic or benign to our knowledge; In silico analysis, which includes splice predictors and evolutionary conservation, suggests this variant may impact gene splicing. In the absence of RNA/functional studies, the actual effect of this sequence change is unknown.